The following is an entry in ClinVar:

ClinVar aggregate classification (germline): Uncertain significance (1 of 4 stars; one submission).

Conditions:
Birt-Hogg-Dube syndrome. Also called: Birt Hogg Dubé syndrome. Identifiers: Orphanet 122, MedGen C0346010, MONDO:0800444.

Submission:

Labcorp Genetics (formerly Invitae), Labcorp
Classification: Uncertain significance for Birt-Hogg-Dube syndrome. Last evaluated: 2024-01-18. Review status: criteria provided, single submitter. Criteria: Invitae Variant Classification Sherloc (09022015). Collection method: clinical testing. Allele origin: germline.
Comment: This sequence change replaces threonine, which is neutral and polar, with arginine, which is basic and polar, at codon 22 of the FLCN protein (p.Thr22Arg). This variant is not present in population databases (gnomAD no frequency). This variant has not been reported in the literature in individuals affected with FLCN-related conditions. Advanced modeling of protein sequence and biophysical properties (such as structural, functional, and spatial information, amino acid conservation, physicochemical variation, residue mobility, and thermodynamic stability) performed at Invitae indicates that this missense variant is expected to disrupt FLCN protein function with a positive predictive value of 80%. Algorithms developed to predict the effect of sequence changes on RNA splicing suggest that this variant may create or strengthen a splice site. In summary, the available evidence is currently insufficient to determine the role of this variant in disease. Therefore, it has been classified as a Variant of Uncertain Significance.

NM_144997.7(FLCN):c.65C>G (p.Thr22Arg)

Gene: FLCN (folliculin; minus strand). Cytogenetic location: 17p11.2.
Variant type: single nucleotide variant.
Coding change: c.65C>G on transcript NM_144997.7 (MANE Select); coding-DNA position 65, C replaced by G.
Protein change: p.Thr22Arg; replaces threonine 22 with arginine.
Molecular consequence: missense variant.
Genome position (GRCh38, 1-based): chr17:17,228,073, G>C on the plus strand (C>G on the coding strand, the complement: FLCN is on the minus strand). VCF-style: chr17-17228073-G-C. GRCh37 (hg19) VCF-style: chr17-17131387-G-C.
Other names: c.65C>G, p.Thr22Arg (NM_001353229.2, NM_001353230.2, NM_001353231.2 and 1 more transcripts); short protein forms T22R.
Identifiers: ClinVar variation 2706791 (VCV002706791.3), dbSNP rs768734584, ClinGen allele CA398535398.
Genomic context (GRCh38, chr17:17,228,073, plus strand): 5'-CCCTGGCCAGGACTGTCCTCATTCCCATCCCCTTGAGGAAGTGGGGCGTGCAGCACCTCC[G>C]TGCAGAAGAGAGTGCGGGGGCCGTGGAGCTCGCAGAAGTGGCAGAGAGCCACGATGGCAT-3'
Protein context (NP_659434.2, residues 12-32): ELHGPRTLFC[Thr22Arg]EVLHAPLPQG